The following is an entry in ClinVar:

NM_174936.4(PCSK9):c.2059G>C (p.Ala687Pro)

Gene: PCSK9 (proprotein convertase subtilisin/kexin type 9; plus strand). Cytogenetic location: 1p32.3.
Variant type: single nucleotide variant.
Coding change: c.2059G>C on transcript NM_174936.4 (MANE Select); coding-DNA position 2059, G replaced by C.
Protein change: p.Ala687Pro; replaces alanine 687 with proline.
Molecular consequence: missense variant.
Genome position (GRCh38, 1-based): chr1:55,063,564, G>C. VCF-style: chr1-55063564-G-C. GRCh37 (hg19) VCF-style: chr1-55529237-G-C.
Other names: c.2182G>C, p.Ala728Pro (NM_001407240.1); c.2101G>C, p.Ala701Pro (NM_001407241.1); c.2062G>C, p.Ala688Pro (NM_001407242.1); c.2002G>C, p.Ala668Pro (NM_001407243.1); c.1885G>C, p.Ala629Pro (NM_001407244.1); c.1867G>C, p.Ala623Pro (NM_001407245.1); c.1684G>C, p.Ala562Pro (NM_001407246.1); c.1558G>C, p.Ala520Pro (NM_001407247.1); short protein forms A562P, A668P, A728P, A688P, A520P, A629P, A687P, A623P.
Identifiers: ClinVar variation 2011414 (VCV002011414.4), dbSNP rs2523287854, ClinGen allele CA340480924.

ClinVar aggregate classification (germline): Uncertain significance (1 of 4 stars; one submission).

Conditions:
Hypercholesterolemia, autosomal dominant, 3 (FHCL3). Also called: PCSK9-Related Familial Hypercholesterolemia, Autosomal Dominant; Familial hypercholesterolemia 3; Familial Hypercholesterolemia, Autosomal Dominant, 3. Identifiers: MedGen C1863551, MONDO:0011369, OMIM 603776.

Submission:

Labcorp Genetics (formerly Invitae), Labcorp
Classification: Uncertain significance for Hypercholesterolemia, autosomal dominant, 3. Last evaluated: 2022-06-27. Review status: criteria provided, single submitter. Criteria: Invitae Variant Classification Sherloc (09022015). Collection method: clinical testing. Allele origin: germline.
Comment: In summary, the available evidence is currently insufficient to determine the role of this variant in disease. Therefore, it has been classified as a Variant of Uncertain Significance. Advanced modeling of protein sequence and biophysical properties (such as structural, functional, and spatial information, amino acid conservation, physicochemical variation, residue mobility, and thermodynamic stability) performed at Invitae indicates that this missense variant is not expected to disrupt PCSK9 protein function. This variant has not been reported in the literature in individuals affected with PCSK9-related conditions. This variant is not present in population databases (gnomAD no frequency). This sequence change replaces alanine, which is neutral and non-polar, with proline, which is neutral and non-polar, at codon 687 of the PCSK9 protein (p.Ala687Pro).